The following is an entry in ClinVar:

NM_182961.4(SYNE1):c.14039T>C (p.Ile4680Thr)

Gene: SYNE1 (spectrin repeat containing nuclear envelope protein 1; minus strand). Cytogenetic location: 6q25.2.
Variant type: single nucleotide variant.
Coding change: c.14039T>C on transcript NM_182961.4 (MANE Select); coding-DNA position 14039, T replaced by C.
Protein change: p.Ile4680Thr; replaces isoleucine 4680 with threonine.
Molecular consequence: missense variant.
Genome position (GRCh38, 1-based): chr6:152,330,646, A>G on the plus strand (T>C on the coding strand, the complement: SYNE1 is on the minus strand). VCF-style: chr6-152330646-A-G. GRCh37 (hg19) VCF-style: chr6-152651781-A-G.
Other names: c.13826T>C, p.Ile4609Thr (NM_033071.5); short protein forms I4609T, I4680T.
Identifiers: ClinVar variation 1313945 (VCV001313945.5), dbSNP rs766142799, ClinGen allele CA4056084.

ClinVar aggregate classification (germline): Uncertain significance. Review status: criteria provided, multiple submitters, no conflicts (2 of 4 stars). 3 submissions from 3 submitters: Uncertain significance (3). Last evaluated 2024-03-11.

Allele frequency attached by ClinVar (database versions not stated): ExAC 0.00001; gnomAD 0.00001; TOPMed 0.00002.
gnomAD v4.1: 10 of 1,613,644 alleles (0.00062%); highest among the groups gnomAD compares: Non-Finnish European, 0.00076%; no homozygotes.

Submissions (3):

Women's Health and Genetics/Laboratory Corporation of America, LabCorp
Classification: Uncertain significance. Last evaluated: 2024-03-11. Review status: criteria provided, single submitter. Criteria: LabCorp Variant Classification Summary - May 2015. Collection method: clinical testing. Allele origin: germline.
Comment: Variant summary: SYNE1 c.13826T>C (p.Ile4609Thr) results in a non-conservative amino acid change in the encoded protein sequence. Four of five in-silico tools predict a damaging effect of the variant on protein function. The variant allele was found at a frequency of 4e-06 in 249722 control chromosomes. The available data on variant occurrences in the general population are insufficient to allow any conclusion about variant significance. To our knowledge, no occurrence of c.13826T>C in individuals affected with SYNE1-Related Disorders and no experimental evidence demonstrating its impact on protein function have been reported. ClinVar contains an entry for this variant (Variation ID: 1313945). Based on the evidence outlined above, the variant was classified as uncertain significance.

Blueprint Genetics
Classification: Uncertain significance. Last evaluated: 2021-02-05. Review status: criteria provided, single submitter. Criteria: ACMG Guidelines, 2015. Collection method: clinical testing. Allele origin: germline.

GeneDx
Classification: Uncertain significance. Last evaluated: 2021-01-11. Review status: criteria provided, single submitter. Criteria: GeneDx Variant Classification Process June 2021. Collection method: clinical testing. Allele origin: germline. Affected: yes.
Comment: Not observed at a significant frequency in large population cohorts (Lek et al., 2016); In silico analysis supports that this missense variant does not alter protein structure/function; Has not been previously published as pathogenic or benign to our knowledge